The following is an entry in ClinVar:

ClinVar aggregate classification (germline): Pathogenic (1 of 4 stars; one submission).

Conditions:
Congenital myasthenic syndrome 4A. Also called: MYASTHENIC SYNDROME, CONGENITAL, 4A, SLOW-CHANNEL, AUTOSOMAL RECESSIVE; CONGENITAL MYASTHENIC SYNDROME TYPE Ia1; Myasthenic syndrome, congenital, 4a, slow-channel. Identifiers: Orphanet 590, MedGen C4225413, MONDO:0011600, OMIM 605809.

Submission:

Labcorp Genetics (formerly Invitae), Labcorp
Classification: Pathogenic for Congenital myasthenic syndrome 4A. Last evaluated: 2020-09-16. Review status: criteria provided, single submitter. Criteria: Invitae Variant Classification Sherloc (09022015). Collection method: clinical testing. Allele origin: germline.
Comment: This sequence change creates a premature translational stop signal (p.Val147Glyfs*57) in the CHRNE gene. It is expected to result in an absent or disrupted protein product. This variant is not present in population databases (ExAC no frequency). This variant has not been reported in the literature in individuals with CHRNE-related conditions. Algorithms developed to predict the effect of sequence changes on RNA splicing suggest that this variant may create or strengthen a splice site, but this prediction has not been confirmed by published transcriptional studies. Loss-of-function variants in CHRNE are known to be pathogenic (PMID: 22678886). For these reasons, this variant has been classified as Pathogenic.

Literature cited by the submitters: PubMed 22678886.

NM_000080.4(CHRNE):c.439_440insGAGGTCA (p.Val147fs)

Genes: CHRNE (cholinergic receptor nicotinic epsilon subunit; minus strand), C17orf107 (chromosome 17 open reading frame 107; plus strand). Cytogenetic location: 17p13.2.
Variant type: Insertion.
Coding change: c.439_440insGAGGTCA on transcript NM_000080.4 (MANE Select); coding-DNA positions 439 to 440, GAGGTCA inserted.
Protein change: p.Val147fs; shifts the reading frame from valine 147.
Molecular consequence: frameshift variant. On other transcripts: 3 prime UTR variant (1).
Genome position: GRCh38 VCF-style: chr17-4901992-A-ATGACCTC. GRCh37 (hg19) VCF-style: chr17-4805287-A-ATGACCTC.
Other names: c.*1459_*1460insTGACCTC (NM_001145536.2); short protein forms V147fs.
Identifiers: ClinVar variation 1075354 (VCV001075354.7), dbSNP rs2151098295, ClinGen allele CA2499224699.